The following is an entry in ClinVar:

NM_012479.4(YWHAG):c.116A>T (p.Asn39Ile)

Gene: YWHAG (tyrosine 3-monooxygenase/tryptophan 5-monooxygenase activation protein gamma; minus strand). Cytogenetic location: 7q11.23.
Variant type: single nucleotide variant.
Coding change: c.116A>T on transcript NM_012479.4 (MANE Select); coding-DNA position 116, A replaced by T.
Protein change: p.Asn39Ile; replaces asparagine 39 with isoleucine.
Molecular consequence: missense variant.
Genome position (GRCh38, 1-based): chr7:76,330,205, T>A on the plus strand (A>T on the coding strand, the complement: YWHAG is on the minus strand). VCF-style: chr7-76330205-T-A. GRCh37 (hg19) VCF-style: chr7-75959522-T-A.
Other names: short protein forms N39I.
Identifiers: ClinVar variation 1513184 (VCV001513184.8), dbSNP rs2115589180, ClinGen allele CA367778113.
Genomic context (GRCh38, chr7:76,330,205, plus strand): 5'-GAAGAGCGGCGTGCCCCCACAACGTTCTTGTAGGCCACAGACAGAAGGTTTCGTTCCTCA[T>A]TCGACAGTGGCTCATTCAGCTCTGTCACCTGCCAGGAGGAAAGAACAGAGTTGTTATGGT-3'
Protein context (NP_036611.2, residues 29-49): NVTELNEPLS[Asn39Ile]EERNLLSVAY

ClinVar aggregate classification (germline): Uncertain significance (1 of 4 stars; one submission).

Submission:

Labcorp Genetics (formerly Invitae), Labcorp
Classification: Uncertain significance. Last evaluated: 2021-12-25. Review status: criteria provided, single submitter. Criteria: Invitae Variant Classification Sherloc (09022015). Collection method: clinical testing. Allele origin: germline.
Comment: This sequence change replaces asparagine, which is neutral and polar, with isoleucine, which is neutral and non-polar, at codon 39 of the YWHAG protein (p.Asn39Ile). This variant is not present in population databases (gnomAD no frequency). This variant has not been reported in the literature in individuals affected with YWHAG-related conditions. Algorithms developed to predict the effect of missense changes on protein structure and function are either unavailable or do not agree on the potential impact of this missense change (SIFT: "Tolerated"; PolyPhen-2: "Possibly Damaging"; Align-GVGD: "Class C0"). In summary, the available evidence is currently insufficient to determine the role of this variant in disease. Therefore, it has been classified as a Variant of Uncertain Significance.